The following is an entry in ClinVar:

NM_002474.3(MYH11):c.5864A>T (p.Glu1955Val)

Genes: MYH11 (myosin heavy chain 11; minus strand), NDE1 (nudE neurodevelopment protein 1; plus strand). Cytogenetic location: 16p13.11.
Variant type: single nucleotide variant.
Coding change: c.5864A>T on transcript NM_002474.3 (MANE Select); coding-DNA position 5864, A replaced by T.
Protein change: p.Glu1955Val; replaces glutamic acid 1955 with valine.
Molecular consequence: missense variant. On other transcripts: 3 prime UTR variant (2), intron variant (2).
Genome position (GRCh38, 1-based): chr16:15,704,046, T>A on the plus strand (A>T on the coding strand, the complement: MYH11 is on the minus strand). VCF-style: chr16-15704046-T-A. GRCh37 (hg19) VCF-style: chr16-15797903-T-A.
Other names: c.*86A>T (NM_001040113.2, NM_022844.3); c.5885A>T, p.Glu1962Val (NM_001040114.2); c.947+7186T>A (NM_001143979.2, NM_017668.3); short protein forms E1955V, E1962V.
Identifiers: ClinVar variation 923445 (VCV000923445.3), dbSNP rs2039321532, ClinGen allele CA394843674.

ClinVar aggregate classification (germline): Uncertain significance (1 of 4 stars; one submission).

Conditions:
Familial thoracic aortic aneurysm and aortic dissection (TAAD). Also called: Thoracic aortic aneurysms and dissections. Identifiers: Orphanet 91387, MedGen C4707243, MONDO:0019625.

Submission:

Color Diagnostics, LLC DBA Color Health
Classification: Uncertain significance for Familial thoracic aortic aneurysm and aortic dissection. Last evaluated: 2019-07-28. Review status: criteria provided, single submitter. Criteria: ACMG Guidelines, 2015. Collection method: clinical testing. Allele origin: germline.
Comment: This variant is located in the 3' untranslated region of the MYH11 gene. To our knowledge, functional assays have not been performed for this variant nor has this variant been reported in individuals affected with cardiovascular disorders in the literature. This variant has not been identified in the general population by the Genome Aggregation Database (gnomAD). Available evidence is insufficient to determine the role of this variant in disease conclusively. Therefore, this variant is classified as a Variant of Uncertain Significance.